The following is an entry in ClinVar:

ClinVar aggregate classification (germline): Uncertain significance (1 of 4 stars; one submission).

Conditions:
Cholestanol storage disease (CTX). Also called: Cerebrotendinous Xanthomatosis; CEREBRAL CHOLESTERINOSIS; CTX: Cerebrotendinous xanthomatosis. Identifiers: Orphanet 909, MedGen C0238052, MONDO:0008948, OMIM 213700.

Submission:

Labcorp Genetics (formerly Invitae), Labcorp
Classification: Uncertain significance for Cholestanol storage disease. Last evaluated: 2021-08-26. Review status: criteria provided, single submitter. Criteria: Invitae Variant Classification Sherloc (09022015). Collection method: clinical testing. Allele origin: germline.
Comment: In summary, the available evidence is currently insufficient to determine the role of this variant in disease. Therefore, it has been classified as a Variant of Uncertain Significance. Advanced modeling of protein sequence and biophysical properties (such as structural, functional, and spatial information, amino acid conservation, physicochemical variation, residue mobility, and thermodynamic stability) performed at Invitae indicates that this missense variant is not expected to disrupt CYP27A1 protein function. This variant has not been reported in the literature in individuals affected with CYP27A1-related conditions. This variant is not present in population databases (ExAC no frequency). This sequence change replaces alanine with glycine at codon 169 of the CYP27A1 protein (p.Ala169Gly). The alanine residue is weakly conserved and there is a small physicochemical difference between alanine and glycine.

NM_000784.4(CYP27A1):c.506C>G (p.Ala169Gly)

Gene: CYP27A1 (cytochrome P450 family 27 subfamily A member 1; plus strand). Cytogenetic location: 2q35.
Variant type: single nucleotide variant.
Coding change: c.506C>G on transcript NM_000784.4 (MANE Select); coding-DNA position 506, C replaced by G.
Protein change: p.Ala169Gly; replaces alanine 169 with glycine.
Molecular consequence: missense variant.
Genome position (GRCh38, 1-based): chr2:218,812,281, C>G. VCF-style: chr2-218812281-C-G. GRCh37 (hg19) VCF-style: chr2-219677004-C-G.
Other names: short protein forms A169G.
Identifiers: ClinVar variation 1478122 (VCV001478122.6), dbSNP rs59443548, ClinGen allele CA350584958.
Genomic context (GRCh38, chr2:218,812,281, plus strand): 5'-GGGAAGGACACCACTGGTACCAGCTGCGCCAGGCTCTGAACCAGCGGTTGCTGAAGCCAG[C>G]GGAAGCAGCGCTCTATACGGATGCTTTCAATGAGGTGATTGATGACTTTATGACTCGACT-3'
Protein context (NP_000775.1, residues 159-179): QALNQRLLKP[Ala169Gly]EAALYTDAFN